The following is an entry in ClinVar:

ClinVar aggregate classification (germline): Likely pathogenic (1 of 4 stars; one submission).

Conditions:
Pyruvate dehydrogenase E3 deficiency (DLDD). Also called: Lipoamide dehydrogenase deficiency, lactic acidosis due to; Dihydrolipoamide Dehydrogenase (E3) Deficiency; MAPLE SYRUP URINE DISEASE, TYPE III; Dihydrolipoamide Dehydrogenase Deficiency; DLD DEFICIENCY; E3 DEFICIENCY. Identifiers: Orphanet 2394, Orphanet 765, MedGen C5574660, MONDO:0009529, OMIM 246900.

Submission:

Natera, Inc.
Classification: Likely pathogenic for Maple syrup urine disease type 3. Last evaluated: 2025-11-24. Review status: criteria provided, single submitter. Criteria: Natera Variant Classification Schema (03/2026). Collection method: clinical testing. Allele origin: germline.
Comment: The c.784C>T variant in DLD is a nonsense variant predicted to introduce a stop codon at amino acid 262. This variant is expected to result in nonsense mediated decay, truncation, or a dysfunctional protein product. This variant is rare in the general population with a frequency below the threshold expected for the associated phenotype(s). Given the available evidence, this variant is classified as Likely Pathogenic.

NM_000108.5(DLD):c.784C>T (p.Gln262Ter)

Gene: DLD (dihydrolipoamide dehydrogenase; plus strand). Cytogenetic location: 7q31.1.
Variant type: single nucleotide variant.
Coding change: c.784C>T on transcript NM_000108.5 (MANE Select); coding-DNA position 784, C replaced by T.
Protein change: p.Gln262Ter; replaces glutamine 262 with a stop codon.
Molecular consequence: nonsense.
Genome position (GRCh38, 1-based): chr7:107,915,605, C>T. VCF-style: chr7-107915605-C-T. GRCh37 (hg19) VCF-style: chr7-107556050-C-T.
Other names: c.487C>T, p.Gln163Ter (NM_001289750.1); c.715C>T, p.Gln239Ter (NM_001289751.1); c.640C>T, p.Gln214Ter (NM_001289752.1); short protein forms Q163*, Q214*, Q239*, Q262*.
Identifiers: ClinVar variation 4817454 (VCV004817454.1).